The following is an entry in ClinVar:

ClinVar aggregate classification (germline): Conflicting classifications of pathogenicity. Review status: criteria provided, conflicting classifications (1 of 4 stars). 2 submissions from 2 submitters: Likely pathogenic (1); Uncertain significance (1). Last evaluated 2025-02-19.

Conditions:
X-linked mixed hearing loss with perilymphatic gusher. Also called: NANCE DEAFNESS; PERILYMPHATIC GUSHER-DEAFNESS SYNDROME; SENSORINEURAL DEAFNESS, PROFOUND, WITH OR WITHOUT A CONDUCTIVE COMPONENT, ASSOCIATED WITH A UNIQUE DEVELOPMENTAL ABNORMALITY OF THE EAR; Deafness, X-linked 2; Gusher syndrome. Identifiers: Orphanet 383, MedGen C1844678, MONDO:0010576, OMIM 304400.

Submissions (2):

Greenwood Genetic Center Diagnostic Laboratories, Greenwood Genetic Center
Classification: Uncertain significance. Last evaluated: 2025-02-19. Review status: criteria provided, single submitter. Criteria: ACMG Guidelines, 2015. Collection method: clinical testing. Allele origin: germline.
Comment: PM2, PP3

Institute of Rare Diseases, West China Hospital, Sichuan University
Classification: Likely pathogenic for X-linked mixed hearing loss with perilymphatic gusher. Last evaluated: 2025-01-09. Review status: criteria provided, single submitter. Criteria: ClinGen HL ACMG Specifications v1. Collection method: research. Allele origin: germline. Affected: yes.
Comment: PM1;PM3_Supporting;PP4;PM2_Supporting;PP3

NM_000307.5(POU3F4):c.763T>C (p.Trp255Arg)

Gene: POU3F4 (POU class 3 homeobox 4; plus strand). Cytogenetic location: Xq21.1.
Variant type: single nucleotide variant.
Coding change: c.763T>C on transcript NM_000307.5 (MANE Select); coding-DNA position 763, T replaced by C.
Protein change: p.Trp255Arg; replaces tryptophan 255 with arginine.
Molecular consequence: missense variant.
Genome position (GRCh38, 1-based): chrX:83,509,087, T>C. VCF-style: chrX-83509087-T-C. GRCh37 (hg19) VCF-style: chrX-82764095-T-C.
Other names: short protein forms W255R.
Identifiers: ClinVar variation 3601676 (VCV003601676.2).